The following is an entry in ClinVar:

ClinVar aggregate classification (germline): Conflicting classifications of pathogenicity. Review status: criteria provided, conflicting classifications (1 of 4 stars). 6 submissions from 6 submitters: Uncertain significance (5); Likely benign (1). Last evaluated 2025-01-25.

Conditions:
Hereditary cancer-predisposing syndrome. Also called: Tumor predisposition; Neoplastic Syndromes, Hereditary; Hereditary Cancer Syndrome; Hereditary neoplastic syndrome. Identifiers: Orphanet 140162, MedGen C0027672, MeSH D009386, MONDO:0015356.
Hereditary breast ovarian cancer syndrome. Also called: Hereditary breast and ovarian cancer; Hereditary breast and ovarian cancer syndrome (HBOC); Hereditary breast and/or ovarian cancer syndrome; Breast and ovarian cancer; Hereditary breast and ovarian cancer syndrome; BRCA1- and BRCA2-Associated Hereditary Breast and Ovarian Cancer. Identifiers: Orphanet 145, MedGen C0677776, MeSH D061325, MONDO:0003582. Disease mechanism: loss of function.
Breast-ovarian cancer, familial, susceptibility to, 2 (BROVCA2). Also called: BRCA2 Hereditary Breast and Ovarian Cancer. Identifiers: Orphanet 145, MedGen C2675520, MONDO:0012933, OMIM 612555. Disease mechanism: loss of function.

Submissions (6):

Ambry Genetics
Classification: Uncertain significance for Hereditary cancer-predisposing syndrome. Last evaluated: 2025-01-25. Review status: criteria provided, single submitter. Criteria: Ambry Variant Classification Scheme 2023. Collection method: clinical testing. Allele origin: germline.
Comment: The p.G561R variant (also known as c.1681G>C), located in coding exon 9 of the BRCA2 gene, results from a G to C substitution at nucleotide position 1681. The glycine at codon 561 is replaced by arginine, an amino acid with dissimilar properties. This amino acid position is not well conserved in available vertebrate species. In addition, this alteration is predicted to be tolerated by in silico analysis. Since supporting evidence is limited at this time, the clinical significance of this alteration remains unclear.

Labcorp Genetics (formerly Invitae), Labcorp
Classification: Uncertain significance for Hereditary breast ovarian cancer syndrome. Last evaluated: 2024-04-29. Review status: criteria provided, single submitter. Criteria: Invitae Variant Classification Sherloc (09022015). Collection method: clinical testing. Allele origin: germline.
Comment: This sequence change replaces glycine, which is neutral and non-polar, with arginine, which is basic and polar, at codon 561 of the BRCA2 protein (p.Gly561Arg). This variant is not present in population databases (gnomAD no frequency). This variant has not been reported in the literature in individuals affected with BRCA2-related conditions. ClinVar contains an entry for this variant (Variation ID: 418079). Advanced modeling of protein sequence and biophysical properties (such as structural, functional, and spatial information, amino acid conservation, physicochemical variation, residue mobility, and thermodynamic stability) performed at Invitae indicates that this missense variant is not expected to disrupt BRCA2 protein function with a negative predictive value of 95%. In summary, the available evidence is currently insufficient to determine the role of this variant in disease. Therefore, it has been classified as a Variant of Uncertain Significance.

All of Us Research Program, National Institutes of Health
Classification: Uncertain significance for Breast-ovarian cancer, familial, susceptibility to, 2. Last evaluated: 2023-10-06. Review status: criteria provided, single submitter. Criteria: ACMG Guidelines, 2015. Collection method: clinical testing. Allele origin: germline. Inheritance: Autosomal dominant inheritance. Observed: 1 variant allele, 1 heterozygote.
Comment: This missense variant replaces glycine with arginine at codon 561 of the BRCA2 protein. Computational prediction suggests that this variant may not impact protein structure and function (internally defined REVEL score threshold <= 0.5, PMID: 27666373). To our knowledge, functional studies have not been reported for this variant. This variant has not been reported in individuals affected with BRCA2-related disorders in the literature. This variant has not been identified in the general population by the Genome Aggregation Database (gnomAD). The available evidence is insufficient to determine the role of this variant in disease conclusively. Therefore, this variant is classified as a Variant of Uncertain Significance.

This study involves interpretation of variants in research participants for the purpose of population health screening. Participant phenotype was not available at the time of variant classification. Additional details can be found in publication PMID: 35346344, PMCID: PMC8962531

KCCC/NGS Laboratory, Kuwait Cancer Control Center
Classification: Uncertain significance for Breast-ovarian cancer, familial, susceptibility to, 2. Last evaluated: 2023-06-15. Review status: criteria provided, single submitter. Criteria: ACMG Guidelines, 2015. Collection method: clinical testing. Allele origin: unknown. Inheritance: Autosomal dominant inheritance. Affected: yes. Observed: 1 heterozygote.
Comment: A variant of uncertain significance was detected in BRCA2 gene (c.128A>G) . This sequence change replaces glycine, which is neutral and non-polar, with arginine, which is basic and polar, at codon 561 of the BRCA2 protein (p.Gly561Arg). This variant is not present in population databases (gnomAD no frequency) nor in our local database. This variant has not been reported in the literature in individuals affected with BRCA2-related conditions. ClinVar contains an entry for this variant (Variation ID: 418079). In-silico predictions show benign computational verdict based on PolyPhen, BayesDel_addAF, DANN, EIGEN, FATHMM-MKL, MutationTaster , PrimateAI , M-CAP and SIFT . In summary, the available evidence is currently insufficient to determine the role of this variant in disease. Therefore, it has been classified as a Variant of Uncertain Significance.

University of Washington Department of Laboratory Medicine, University of Washington
Classification: Likely benign for Hereditary cancer-predisposing syndrome. Last evaluated: 2023-03-23. Review status: criteria provided, single submitter. Criteria: Dines et al. (Genet Med. 2020). Collection method: curation. Allele origin: germline.
Comment: Missense variant in a coldspot region where missense variants are very unlikely to be pathogenic (PMID:31911673).

BRCA2 exon 10 coldspot. Reclassification based on statistical prior probability.

GeneDx
Classification: Uncertain significance. Last evaluated: 2015-02-28. Review status: criteria provided, single submitter. Criteria: GeneDx Variant Classification (06012015). Collection method: clinical testing. Allele origin: germline. Affected: yes.
Comment: This variant is denoted BRCA2 c.1681G>C at the cDNA level, p.Gly561Arg (G561R) at the protein level, and results in the change of a Glycine to an Arginine (GGA>CGA). Using alternate nomenclature, this variant would be defined as BRCA2 1909G>C. This variant has not, to our knowledge, been published in the literature as pathogenic or benign. BRCA2 Gly561Arg was not observed in approximately 6,500 individuals of European and African American ancestry in the NHLBI Exome Sequencing Project, indicating it is not a common benign variant in these populations. Since Glycine and Arginine differ in polarity, charge, size or other properties, this is considered a non-conservative amino acid substitution. BRCA2 Gly561Arg occurs at a position that is moderately conserved across vertebrates and is not located in a known functional domain (UniProt). In silico analyses predict that this variant is unlikely to alter protein structure or function. Based on currently available information, it is unclear whether BRCA2 Gly561Arg is pathogenic or benign. We consider it to be a variant of uncertain significance.

NM_000059.4(BRCA2):c.1681G>C (p.Gly561Arg)

Gene: BRCA2 (BRCA2 DNA repair associated; plus strand). Cytogenetic location: 13q13.1.
Variant type: single nucleotide variant.
Coding change: c.1681G>C on transcript NM_000059.4 (MANE Select); coding-DNA position 1681, G replaced by C.
Protein change: p.Gly561Arg; replaces glycine 561 with arginine.
Molecular consequence: missense variant.
Genome position (GRCh38, 1-based): chr13:32,333,159, G>C. VCF-style: chr13-32333159-G-C. GRCh37 (hg19) VCF-style: chr13-32907296-G-C.
Other names: short protein forms G561R.
Identifiers: ClinVar variation 418079 (VCV000418079.20), dbSNP rs80358455, ClinGen allele CA16619661.